The following is an entry in ClinVar:

NM_006393.3(NEBL):c.2031G>A (p.Arg677=)

Gene: NEBL (nebulette; minus strand). Cytogenetic location: 10p12.31.
Variant type: single nucleotide variant.
Coding change: c.2031G>A on transcript NM_006393.3 (MANE Select); coding-DNA position 2031, G replaced by A.
Protein change: p.Arg677=; no amino-acid change (arginine 677 retained).
Molecular consequence: synonymous variant. On other transcripts: intron variant (9).
Genome position (GRCh38, 1-based): chr10:20,819,448, C>T on the plus strand (G>A on the coding strand, the complement: NEBL is on the minus strand). VCF-style: chr10-20819448-C-T. GRCh37 (hg19) VCF-style: chr10-21108377-C-T.
Other names: p.R677R:AGG>AGA; c.250-6508G>A (NM_001377326.1, NM_001377327.1, NM_001377328.1); c.358-6508G>A (NM_213569.2, NM_001173484.2, NM_001377322.1); c.301-6508G>A (NM_001377324.1); c.292-6508G>A (NM_001377325.1); c.310-6508G>A (NM_001377323.1).
Identifiers: ClinVar variation 45489 (VCV000045489.20), dbSNP rs1006363, ClinGen allele CA136420.

ClinVar aggregate classification (germline): Benign. Review status: criteria provided, multiple submitters, no conflicts (2 of 4 stars). 6 submissions from 6 submitters: Benign (6). Last evaluated 2026-02-04.

Conditions:
Primary dilated cardiomyopathy (DCM). Also called: Dilated Cardiomyopathy. Identifiers: Orphanet 217604, MedGen C0007193, MeSH D002311, MONDO:0005021, HP:0001644. Inheritance: Various modes of inheritance.

Allele frequency attached by ClinVar (database versions not stated): 1000 Genomes Project 30x 0.17833; 1000 Genomes Project 0.18371; TOPMed 0.20132; ESP Exome Variant Server 0.22105; gnomAD 0.22201 and 0.22278; gnomAD exomes 0.24713 and 0.28502; ExAC 0.24767.
gnomAD v4.1: 448,344 of 1,613,702 alleles (28%); highest among the groups gnomAD compares: Non-Finnish European, 30%; 66,367 homozygotes.

Submissions (6):

Labcorp Genetics (formerly Invitae), Labcorp
Classification: Benign for Primary dilated cardiomyopathy. Last evaluated: 2026-02-04. Review status: criteria provided, single submitter. Criteria: Invitae Variant Classification Sherloc (09022015). Collection method: clinical testing. Allele origin: germline.

Women's Health and Genetics/Laboratory Corporation of America, LabCorp
Classification: Benign. Last evaluated: 2023-04-04. Review status: criteria provided, single submitter. Criteria: LabCorp Variant Classification Summary - May 2015. Collection method: clinical testing. Allele origin: germline.

Ambry Genetics
Classification: Benign. Last evaluated: 2015-10-22. Review status: criteria provided, single submitter. Criteria: Ambry Variant Classification Scheme 2023. Collection method: clinical testing. Allele origin: germline.

GeneDx
Classification: Benign. Last evaluated: 2013-12-09. Review status: criteria provided, single submitter. Criteria: GeneDx Variant Classification (06012015). Collection method: clinical testing. Allele origin: germline. Affected: yes.
Comment: This variant is considered likely benign or benign based on one or more of the following criteria: it is a conservative change, it occurs at a poorly conserved position in the protein, it is predicted to be benign by multiple in silico algorithms, and/or has population frequency not consistent with disease.

Laboratory for Molecular Medicine, Mass General Brigham Personalized Medicine
Classification: Benign. Last evaluated: 2012-03-19. Review status: criteria provided, single submitter. Criteria: LMM Criteria. Collection method: clinical testing. Allele origin: germline. Observed: 612 variant alleles.
Comment: p.Arg677Arg in Exon 20 of NEBL: This variant is not expected to have clinical si gnificance because it does not alter an amino acid residue, is not located withi n the splice consensus sequence and has been identified in 29.6% (2079/7020) of European American chromosomes from a broad population by the NHLBI Exome Sequenc ing Project (dbSNP rs1006363).

Breakthrough Genomics
Classification: Benign. Review status: criteria provided, single submitter. Criteria: ACMG Guidelines, 2015. Collection method: not provided. Allele origin: germline. Inheritance: Unknown mechanism. Affected: yes.